The following is an entry in ClinVar:

NM_000540.3(RYR1):c.5674_5676del (p.Lys1892del)

Gene: RYR1 (ryanodine receptor 1; plus strand). Cytogenetic location: 19q13.2.
Variant type: Deletion.
Coding change: c.5674_5676del on transcript NM_000540.3 (MANE Select); coding-DNA positions 5674 to 5676, 3 bases deleted (AAG; older notation c.5674_5676delAAG).
Protein change: p.Lys1892del; deletes lysine 1892.
Molecular consequence: inframe deletion.
Genome position (GRCh38, 1-based): chr19:38,489,303-38,489,305, AAG deleted; deleting any 3 consecutive bases within chr19:38,489,301-38,489,305 gives the same sequence; the c. name uses the placement nearest the transcript's 3' end. VCF-style (leftmost placement, unchanged base first): chr19-38489300-GAGA-G. GRCh37 (hg19) VCF-style: chr19-38979940-GAGA-G.
Other names: c.5674_5676delAAG (NM_000540.2); c.5674_5676del, p.Lys1892del (NM_001042723.2); short protein forms K1892del.
Identifiers: ClinVar variation 159854 (VCV000159854.13), dbSNP rs587784377, ClinGen allele CA024536.

ClinVar aggregate classification (germline): Uncertain significance. Review status: criteria provided, multiple submitters, no conflicts (2 of 4 stars). 3 submissions from 3 submitters: Uncertain significance (3). Last evaluated 2025-05-15.

Conditions:
RYR1-related disorder. Also called: RYR1-related disorders; RYR1-related condition. Identifiers: MedGen CN239331.
Malignant hyperthermia, susceptibility to, 1 (MHS1). Also called: Anesthesia related hyperthermia; Malignant hyperpyrexia; Fulminating hyperpyrexia; Pharmacogenic myopathy; RYR1-Related Malignant Hyperthermia Susceptibility; Malignant hyperthermia suceptibility 1. Identifiers: Orphanet 423, MedGen C2930980, MONDO:0007783, OMIM 145600.

Submissions (3):

Labcorp Genetics (formerly Invitae), Labcorp
Classification: Uncertain significance for RYR1-related disorder. Last evaluated: 2025-05-15. Review status: criteria provided, single submitter. Criteria: Invitae Variant Classification Sherloc (09022015). Collection method: clinical testing. Allele origin: germline.
Comment: This variant, c.5674_5676del, results in the deletion of 1 amino acid(s) of the RYR1 protein (p.Lys1892del), but otherwise preserves the integrity of the reading frame. This variant is not present in population databases (gnomAD no frequency). This variant has not been reported in the literature in individuals affected with RYR1-related conditions. ClinVar contains an entry for this variant (Variation ID: 159854). Experimental studies and prediction algorithms are not available or were not evaluated, and the functional significance of this variant is currently unknown. In summary, the available evidence is currently insufficient to determine the role of this variant in disease. Therefore, it has been classified as a Variant of Uncertain Significance.

All of Us Research Program, National Institutes of Health
Classification: Uncertain significance for Malignant hyperthermia, susceptibility to, 1. Last evaluated: 2024-03-24. Review status: criteria provided, single submitter. Criteria: ACMG Guidelines, 2015. Collection method: clinical testing. Allele origin: germline. Inheritance: Autosomal dominant inheritance. Observed: 1 variant allele, 1 heterozygote.
Comment: This variant results in an in-frame deletion of one amino acid at codon 1892 in the RYR1 protein. To our knowledge, functional studies have not been reported for this variant. This variant has not been reported in individuals affected with RYR1-related disorders in the literature. This variant has not been identified in the general population by the Genome Aggregation Database (gnomAD). The available evidence is insufficient to determine the role of this variant in disease conclusively. Therefore, this variant is classified as a Variant of Uncertain Significance.

This study involves interpretation of variants in research participants for the purpose of population health screening. Participant phenotype was not available at the time of variant classification. Additional details can be found in publication PMID: 35346344, PMCID: PMC8962531

Genetic Services Laboratory, University of Chicago
Classification: Uncertain significance. Last evaluated: 2014-02-17. Review status: criteria provided, single submitter. Criteria: ACMG Guidelines, 2007. Collection method: clinical testing. Allele origin: germline. Inheritance: Autosomal unknown.